The following is an entry in ClinVar:

NM_018026.4(PACS1):c.1574G>C (p.Arg525Thr)

Gene: PACS1 (phosphofurin acidic cluster sorting protein 1; plus strand). Cytogenetic location: 11q13.2.
Variant type: single nucleotide variant.
Coding change: c.1574G>C on transcript NM_018026.4 (MANE Select); coding-DNA position 1574, G replaced by C.
Protein change: p.Arg525Thr; replaces arginine 525 with threonine.
Molecular consequence: missense variant.
Genome position (GRCh38, 1-based): chr11:66,230,888, G>C. VCF-style: chr11-66230888-G-C. GRCh37 (hg19) VCF-style: chr11-65998359-G-C.
Other names: short protein forms R525T.
Identifiers: ClinVar variation 1700911 (VCV001700911.2), dbSNP rs2134735819, ClinGen allele CA381367631.

ClinVar aggregate classification (germline): Uncertain significance (1 of 4 stars; one submission).

Submission:

GeneDx
Classification: Uncertain significance. Last evaluated: 2022-02-09. Review status: criteria provided, single submitter. Criteria: GeneDx Variant Classification Process June 2021. Collection method: clinical testing. Allele origin: germline. Affected: yes.
Comment: Not observed at significant frequency in large population cohorts (gnomAD); In silico analysis supports that this missense variant has a deleterious effect on protein structure/function; Has not been previously published as pathogenic or benign to our knowledge